The following is an entry in ClinVar:

ClinVar aggregate classification (germline): Conflicting classifications of pathogenicity. Review status: criteria provided, conflicting classifications (1 of 4 stars). 8 submissions from 8 submitters: Uncertain significance (5); Likely benign (3). Last evaluated 2026-02-02.

Conditions:
TRPV4-related disorder. Also called: TRPV4-related disorders; TRPV4-related condition.
Inborn genetic diseases. Identifiers: MedGen C0950123, MeSH D030342.
Neuronopathy, distal hereditary motor, autosomal dominant 8. Also called: SPINAL MUSCULAR ATROPHY, CONGENITAL BENIGN, WITH CONTRACTURES; Autosomal dominant congenital benign spinal muscular atrophy; NEURONOPATHY, DISTAL HEREDITARY MOTOR, TYPE VIII; NEUROPATHY, DISTAL HEREDITARY MOTOR, TYPE VIII. Identifiers: Orphanet 1216, MedGen C1838492, MONDO:0010839, OMIM 600175.
Charcot-Marie-Tooth disease axonal type 2C (HMSN2C). Also called: CHARCOT-MARIE-TOOTH DISEASE, AXONAL, AUTOSOMAL DOMINANT, TYPE 2C; Charcot-Marie-Tooth Neuropathy Type 2C; Charcot-Marie-Tooth Disease Type 2, TRPV4-Related (CMT2C). Identifiers: Orphanet 99937, MedGen C1853710, MONDO:0011633, OMIM 606071.

Allele frequency attached by ClinVar (database versions not stated): gnomAD exomes 0.00002 and 0.00004; ExAC 0.00008; ESP Exome Variant Server 0.00008; TOPMed 0.00008; gnomAD 0.00013 and 0.00016.
gnomAD v4.1: 59 of 1,614,036 alleles (0.0037%); highest among the groups gnomAD compares: Admixed American, 0.037%; 1 homozygote.

Submissions (8):

Labcorp Genetics (formerly Invitae), Labcorp
Classification: Uncertain significance for Charcot-Marie-Tooth disease axonal type 2C. Last evaluated: 2026-02-02. Review status: criteria provided, single submitter. Criteria: Invitae Variant Classification Sherloc (09022015). Collection method: clinical testing. Allele origin: germline.
Comment: This sequence change replaces serine, which is neutral and polar, with leucine, which is neutral and non-polar, at codon 319 of the TRPV4 protein (p.Ser319Leu). This variant is present in population databases (rs377518118, gnomAD 0.01%). This variant has not been reported in the literature in individuals affected with TRPV4-related conditions. ClinVar contains an entry for this variant (Variation ID: 245783). Invitae Evidence Modeling of protein sequence and biophysical properties (such as structural, functional, and spatial information, amino acid conservation, physicochemical variation, residue mobility, and thermodynamic stability) has been performed for this missense variant. However, the output from this modeling did not meet the statistical confidence thresholds required to predict the impact of this variant on TRPV4 protein function. In summary, the available evidence is currently insufficient to determine the role of this variant in disease. Therefore, it has been classified as a Variant of Uncertain Significance.

GeneDx
Classification: Uncertain significance. Last evaluated: 2025-10-30. Review status: criteria provided, single submitter. Criteria: GeneDx Variant Classification Process June 2021. Collection method: clinical testing. Allele origin: germline. Affected: yes.
Comment: Reported in the heterozygous state in two members of a single family with scapular winging, but other features of TRPV4-related disorders were not present (Brown et al. 2017. J of Genet Disord and Genet Med. 1(1): 2-3); In silico analysis supports that this missense variant has a deleterious effect on protein structure/function; This variant is associated with the following publications: (PMID: 39021275, 33303739)

PreventionGenetics, part of Exact Sciences
Classification: Likely benign for TRPV4-related condition. Last evaluated: 2025-03-25. Review status: criteria provided, single submitter. Criteria: ACMG Guidelines, 2015. Collection method: clinical testing. Allele origin: germline.
Comment: This variant is classified as likely benign based on ACMG/AMP sequence variant interpretation guidelines (Richards et al. 2015 PMID: 25741868, with internal and published modifications).

Blueprint Genetics
Classification: Likely benign. Last evaluated: 2024-11-07. Review status: criteria provided, single submitter. Criteria: ACMG Guidelines, 2015. Collection method: clinical testing. Allele origin: germline.

Women's Health and Genetics/Laboratory Corporation of America, LabCorp
Classification: Uncertain significance. Last evaluated: 2023-11-03. Review status: criteria provided, single submitter. Criteria: LabCorp Variant Classification Summary - May 2015. Collection method: clinical testing. Allele origin: germline.
Comment: Variant summary: TRPV4 c.956C>T (p.Ser319Leu) results in a non-conservative amino acid change in the encoded protein sequence. Three of five in-silico tools predict a damaging effect of the variant on protein function. The variant allele was found at a frequency of 4.4e-05 in 251296 control chromosomes. c.956C>T has been reported in the literature in individuals affected with Spondylometaphyseal Dysplasia, Kozlowski Type. These report(s) do not provide unequivocal conclusions about association of the variant with Spondylometaphyseal Dysplasia, Kozlowski Type. To our knowledge, no experimental evidence demonstrating an impact on protein function has been reported. The following publication has been ascertained in the context of this evaluation (PMID: 33303739). Four submitters have cited clinical-significance assessments for this variant to ClinVar after 2014, classifying the variant as uncertain significance (n=3) or likely benign (n=1). Based on the evidence outlined above, the variant was classified as uncertain significance.

Revvity Omics, Revvity
Classification: Uncertain significance. Last evaluated: 2021-04-16. Review status: criteria provided, single submitter. Criteria: ACMG Guidelines, 2015. Collection method: clinical testing. Allele origin: germline.

Ambry Genetics
Classification: Likely benign for Inborn genetic diseases. Last evaluated: 2021-02-23. Review status: criteria provided, single submitter. Criteria: Ambry Variant Classification Scheme 2023. Collection method: clinical testing. Allele origin: germline.

Neuberg Centre For Genomic Medicine, NCGM
Classification: Uncertain significance for Neuronopathy, distal hereditary motor, autosomal dominant 8. Review status: criteria provided, single submitter. Criteria: ACMG Guidelines, 2015. Collection method: clinical testing. Allele origin: germline. Inheritance: Autosomal dominant inheritance. Affected: yes.
Comment: The missense c.956C>T (p.Ser319Leu) variant in the TRPV4 gene has not been reported previously as a pathogenic variant nor as a benign variant, to our knowledge. This variant is reported with the allele frequency (0.004%) in the gnomAD Exomes. This variant has been reported to the ClinVar database as Likely Benign/ Uncertain Significance. However, no details are available for independent assessment. The amino acid Serine at position 319 is changed to a Leucine changing protein sequence and it might alter its composition and physico-chemical properties. The variant is predicted as damaging by SIFT. The amino acid change p.Ser319Leu in TRPV4 is predicted as conserved by GERP++ and PhyloP across 100 vertebrates. For these reasons, this variant has been classified as Uncertain Significance.

Literature cited by the submitters: PubMed 33303739 (cited by Women's Health and Genetics/Laboratory Corporation of America, LabCorp).

NM_021625.5(TRPV4):c.956C>T (p.Ser319Leu)

Gene: TRPV4 (transient receptor potential cation channel subfamily V member 4; minus strand). Cytogenetic location: 12q24.11.
Variant type: single nucleotide variant.
Coding change: c.956C>T on transcript NM_021625.5 (MANE Select); coding-DNA position 956, C replaced by T.
Protein change: p.Ser319Leu; replaces serine 319 with leucine.
Molecular consequence: missense variant.
Genome position (GRCh38, 1-based): chr12:109,798,810, G>A on the plus strand (C>T on the coding strand, the complement: TRPV4 is on the minus strand). VCF-style: chr12-109798810-G-A. GRCh37 (hg19) VCF-style: chr12-110236615-G-A.
Other names: c.815C>T, p.Ser272Leu (NM_001177428.2, NM_001177433.2); c.854C>T, p.Ser285Leu (NM_001177431.2); c.956C>T, p.Ser319Leu (NM_147204.3); short protein forms S319L, S272L, S285L.
Identifiers: ClinVar variation 245783 (VCV000245783.22), dbSNP rs377518118, ClinGen allele CA6780382.